The following is an entry in ClinVar:

ClinVar aggregate classification (germline): Uncertain significance (1 of 4 stars; one submission).

Conditions:
Baller-Gerold syndrome (BGS). Also called: CRANIOSYNOSTOSIS WITH RADIAL DEFECTS. Identifiers: Orphanet 1225, MedGen C0265308, MONDO:0009039, OMIM 218600.

Submission:

Labcorp Genetics (formerly Invitae), Labcorp
Classification: Uncertain significance for Baller-Gerold syndrome. Last evaluated: 2021-10-07. Review status: criteria provided, single submitter. Criteria: Invitae Variant Classification Sherloc (09022015). Collection method: clinical testing. Allele origin: germline.
Comment: In summary, the available evidence is currently insufficient to determine the role of this variant in disease. Therefore, it has been classified as a Variant of Uncertain Significance. Experimental studies and prediction algorithms are not available or were not evaluated, and the functional significance of this variant is currently unknown. This missense change has been observed in individual(s) with bone marrow failure (PMID: 30995915). This variant is not present in population databases (ExAC no frequency). This sequence change replaces glutamine with proline at codon 819 of the RECQL4 protein (p.Gln819Pro). The glutamine residue is weakly conserved and there is a moderate physicochemical difference between glutamine and proline.

Literature cited by the submitters: PubMed 30995915.

NM_004260.4(RECQL4):c.2456A>C (p.Gln819Pro)

Gene: RECQL4 (RecQ like helicase 4; minus strand). Cytogenetic location: 8q24.3.
Variant type: single nucleotide variant.
Coding change: c.2456A>C on transcript NM_004260.4 (MANE Select); coding-DNA position 2456, A replaced by C.
Protein change: p.Gln819Pro; replaces glutamine 819 with proline.
Molecular consequence: missense variant.
Genome position (GRCh38, 1-based): chr8:144,513,225, T>G on the plus strand (A>C on the coding strand, the complement: RECQL4 is on the minus strand). VCF-style: chr8-144513225-T-G. GRCh37 (hg19) VCF-style: chr8-145738608-T-G.
Other names: short protein forms Q819P.
Identifiers: ClinVar variation 1440140 (VCV001440140.6), dbSNP rs1467362119, ClinGen allele CA372677890.